The following is an entry in ClinVar:

NM_013372.7(GREM1):c.307A>G (p.Ile103Val)

Gene: GREM1 (gremlin 1, DAN family BMP antagonist; plus strand). Cytogenetic location: 15q13.3.
Variant type: single nucleotide variant.
Coding change: c.307A>G on transcript NM_013372.7 (MANE Select); coding-DNA position 307, A replaced by G.
Protein change: p.Ile103Val; replaces isoleucine 103 with valine.
Molecular consequence: missense variant.
Genome position (GRCh38, 1-based): chr15:32,730,997, A>G. VCF-style: chr15-32730997-A-G. GRCh37 (hg19) VCF-style: chr15-33023198-A-G.
Other names: c.97A>G, p.Ile33Val (NM_001191322.2); c.184A>G, p.Ile62Val (NM_001191323.2); c.307A>G, p.Ile103Val (NM_001368719.1); short protein forms I103V, I33V, I62V.
Identifiers: ClinVar variation 1691515 (VCV001691515.6), dbSNP rs370674293, ClinGen allele CA7456143.
Genomic context (GRCh38, chr15:32,730,997, plus strand): 5'-GTGACGGAGCGCAAATACCTGAAGCGAGACTGGTGCAAAACCCAGCCGCTTAAGCAGACC[A>G]TCCACGAGGAAGGCTGCAACAGTCGCACCATCATCAACCGCTTCTGTTACGGCCAGTGCA-3'
Protein context (NP_037504.1, residues 93-113): WCKTQPLKQT[Ile103Val]HEEGCNSRTI

ClinVar aggregate classification (germline): Uncertain significance. Review status: criteria provided, multiple submitters, no conflicts (2 of 4 stars). 2 submissions from 2 submitters: Uncertain significance (2). Last evaluated 2024-02-05.

Conditions:
Hereditary cancer-predisposing syndrome. Also called: Hereditary Cancer Syndrome; Hereditary neoplastic syndrome; Neoplastic Syndromes, Hereditary; Tumor predisposition. Identifiers: Orphanet 140162, MedGen C0027672, MeSH D009386, MONDO:0015356.
Hereditary mixed polyposis syndrome. Also called: Hereditary Mixed Polyposis. Identifiers: Orphanet 157794, MedGen C5192681, MONDO:0011023.

Allele frequency attached by ClinVar (database versions not stated): gnomAD exomes 0.00001; ExAC 0.00002; TOPMed 0.00004; gnomAD 0.00007 and 0.00008; ESP Exome Variant Server 0.00008.
gnomAD v4.1: 15 of 1,614,050 alleles (0.00093%); highest among the groups gnomAD compares: African/African-American, 0.015%; no homozygotes.

Submissions (2):

Ambry Genetics
Classification: Uncertain significance for Hereditary cancer-predisposing syndrome. Last evaluated: 2024-02-05. Review status: criteria provided, single submitter. Criteria: Ambry Variant Classification Scheme 2023. Collection method: clinical testing. Allele origin: germline.
Comment: The p.I103V variant (also known as c.307A>G), located in coding exon 1 of the GREM1 gene, results from an A to G substitution at nucleotide position 307. The isoleucine at codon 103 is replaced by valine, an amino acid with highly similar properties. This amino acid position is conserved. In addition, this alteration is predicted to be tolerated by in silico analysis. Since supporting evidence is limited at this time, the clinical significance of this alteration remains unclear.

St. Jude Molecular Pathology, St. Jude Children's Research Hospital
Classification: Uncertain significance for Hereditary mixed polyposis syndrome. Last evaluated: 2022-01-06. Review status: criteria provided, single submitter. Criteria: St. Jude Assertion Criteria 2020. Collection method: clinical testing. Allele origin: germline.
Comment: The GREM1 c.307A>G (p.Ile103Val) missense change has a maximum subpopulation frequency of 0.012% in gnomAD v2.1.1. Five of seven in silico tools predict a benign effect of this variant on protein function (BP4), but to our knowledge these predictions have not been confirmed by functional assays. To our knowledge, this variant has not been reported in individuals with hereditary mixed polyposis syndrome. In summary, this variant meets criteria to be classified as of uncertain significance based on the ACMG/AMP criteria: BP4.